The following is an entry in ClinVar:

NM_001142800.2(EYS):c.1521C>A (p.Cys507Ter)

Gene: EYS (EGF-like photoreceptor maintenance factor; minus strand). Cytogenetic location: 6q12.
Variant type: single nucleotide variant.
Coding change: c.1521C>A on transcript NM_001142800.2 (MANE Select); coding-DNA position 1521, C replaced by A.
Protein change: p.Cys507Ter; replaces cysteine 507 with a stop codon.
Molecular consequence: nonsense.
Genome position (GRCh38, 1-based): chr6:65,344,116, G>T on the plus strand (C>A on the coding strand, the complement: EYS is on the minus strand). VCF-style: chr6-65344116-G-T. GRCh37 (hg19) VCF-style: chr6-66054009-G-T.
Other names: c.1521C>A, p.Cys507Ter (NM_001142801.2, NM_001292009.2, NM_198283.2); short protein forms C507*.
Identifiers: ClinVar variation 1453620 (VCV001453620.7), dbSNP rs1416709406, ClinGen allele CA364661458.

ClinVar aggregate classification (germline): Pathogenic/Likely pathogenic. Review status: criteria provided, multiple submitters, no conflicts (2 of 4 stars). 2 submissions from 2 submitters: Pathogenic (1); Likely pathogenic (1). Last evaluated 2023-03-23.

Conditions:
Retinitis pigmentosa 25 (RP25). Identifiers: Orphanet 791, MedGen C1864446, MONDO:0011272, OMIM 602772.

Submissions (2):

Baylor Genetics
Classification: Likely pathogenic for Retinitis pigmentosa 25. Last evaluated: 2023-03-23. Review status: criteria provided, single submitter. Criteria: ACMG Guidelines, 2015. Collection method: clinical testing. Allele origin: unknown.

Labcorp Genetics (formerly Invitae), Labcorp
Classification: Pathogenic. Last evaluated: 2020-11-25. Review status: criteria provided, single submitter. Criteria: Invitae Variant Classification Sherloc (09022015). Collection method: clinical testing. Allele origin: germline.
Comment: This sequence change creates a premature translational stop signal (p.Cys507*) in the EYS gene. It is expected to result in an absent or disrupted protein product. Loss-of-function variants in EYS are known to be pathogenic (PMID: 18836446, 20333770). This variant is not present in population databases (ExAC no frequency). This variant has not been reported in the literature in individuals with EYS-related conditions. For these reasons, this variant has been classified as Pathogenic.

Literature cited by the submitters: PubMed 18836446 (cited by Labcorp Genetics (formerly Invitae), Labcorp); PubMed 20333770 (cited by Labcorp Genetics (formerly Invitae), Labcorp).